The following is an entry in ClinVar:

NM_021020.5(LZTS1):c.669C>A (p.Asn223Lys)

Gene: LZTS1 (leucine zipper tumor suppressor 1; minus strand). Cytogenetic location: 8p21.3.
Variant type: single nucleotide variant.
Coding change: c.669C>A on transcript NM_021020.5 (MANE Select); coding-DNA position 669, C replaced by A.
Protein change: p.Asn223Lys; replaces asparagine 223 with lysine.
Molecular consequence: missense variant.
Genome position (GRCh38, 1-based): chr8:20,253,262, G>T on the plus strand (C>A on the coding strand, the complement: LZTS1 is on the minus strand). VCF-style: chr8-20253262-G-T. GRCh37 (hg19) VCF-style: chr8-20110773-G-T.
Other names: c.669C>A, p.Asn223Lys (NM_001362884.2); short protein forms N223K.
Identifiers: ClinVar variation 1357774 (VCV001357774.8), dbSNP rs1366773027, ClinGen allele CA370477787.
Genomic context (GRCh38, chr8:20,253,262, plus strand): 5'-GTTCGAGTGGCCCAGCTTGCTACCTCCGTCGGAGAAGGACAGAGCCTTCAGGCTCATCAT[G>T]TTGCTGTCCTGGAGGACGATGCCCTGGGTGATGTTGTGGGCGGAGCCCCCAAAACGGCTT-3'
Protein context (NP_066300.1, residues 213-233): ITQGIVLQDS[Asn223Lys]MMSLKALSFS

ClinVar aggregate classification (germline): Uncertain significance (1 of 4 stars; one submission).

Submission:

Labcorp Genetics (formerly Invitae), Labcorp
Classification: Uncertain significance. Last evaluated: 2022-04-24. Review status: criteria provided, single submitter. Criteria: Invitae Variant Classification Sherloc (09022015). Collection method: clinical testing. Allele origin: germline.
Comment: In summary, the available evidence is currently insufficient to determine the role of this variant in disease. Therefore, it has been classified as a Variant of Uncertain Significance. Algorithms developed to predict the effect of missense changes on protein structure and function are either unavailable or do not agree on the potential impact of this missense change (SIFT: "Deleterious"; PolyPhen-2: "Probably Damaging"; Align-GVGD: "Class C0"). This variant has not been reported in the literature in individuals affected with LZTS1-related conditions. This variant is not present in population databases (gnomAD no frequency). This sequence change replaces asparagine, which is neutral and polar, with lysine, which is basic and polar, at codon 223 of the LZTS1 protein (p.Asn223Lys).